The following is an entry in ClinVar:

ClinVar aggregate classification (germline): Pathogenic (1 of 4 stars; one submission).

Conditions:
Fanconi anemia (FA). Also called: Fanconi's anemia. Identifiers: Orphanet 84, MedGen C0015625, MeSH D005199, MONDO:0019391.

Submission:

Labcorp Genetics (formerly Invitae), Labcorp
Classification: Pathogenic for Fanconi anemia. Last evaluated: 2023-10-18. Review status: criteria provided, single submitter. Criteria: Invitae Variant Classification Sherloc (09022015). Collection method: clinical testing. Allele origin: germline.
Comment: This sequence change creates a premature translational stop signal (p.Thr306Asnfs*33) in the FANCA gene. It is expected to result in an absent or disrupted protein product. Loss-of-function variants in FANCA are known to be pathogenic (PMID: 19367192). This variant is not present in population databases (gnomAD no frequency). This variant has not been reported in the literature in individuals affected with FANCA-related conditions. For these reasons, this variant has been classified as Pathogenic.

Literature cited by the submitters: PubMed 19367192.

NM_000135.4(FANCA):c.916dup (p.Thr306fs)

Gene: FANCA (FA complementation group A; minus strand). Cytogenetic location: 16q24.3.
Variant type: Duplication.
Coding change: c.916dup on transcript NM_000135.4 (MANE Select); coding-DNA position 916, one base duplicated (A; older notation c.916dupA).
Protein change: p.Thr306fs; shifts the reading frame from threonine 306.
Molecular consequence: frameshift variant.
Genome position (GRCh38, 1-based): chr16:89,795,996, T duplicated on the plus strand (A on the coding strand, the reverse complement: FANCA is on the minus strand). VCF-style (leftmost placement, unchanged base first): chr16-89795995-G-GT. GRCh37 (hg19) VCF-style: chr16-89862403-G-GT.
Other names: c.916dup, p.Thr306fs (NM_001286167.3); short protein forms T306fs.
Identifiers: ClinVar variation 2769855 (VCV002769855.3), dbSNP rs2544288604, ClinGen allele CA2697556030.